The following is an entry in ClinVar:

ClinVar aggregate classification (germline): Uncertain significance (1 of 4 stars; one submission).

Conditions:
Progressive encephalopathy with leukodystrophy due to DECR deficiency. Identifiers: Orphanet 431361, MedGen C1857252, MONDO:0014464, OMIM 616034.

Allele frequency attached by ClinVar (database versions not stated): gnomAD exomes 0.00001.
gnomAD v4.1: 2 of 1,134,380 alleles (0.00018%); highest among the groups gnomAD compares: Non-Finnish European, 0.00022%; no homozygotes.

Submission:

Labcorp Genetics (formerly Invitae), Labcorp
Classification: Uncertain significance for Progressive encephalopathy with leukodystrophy due to DECR deficiency. Last evaluated: 2023-05-05. Review status: criteria provided, single submitter. Criteria: Invitae Variant Classification Sherloc (09022015). Collection method: clinical testing. Allele origin: germline.
Comment: An algorithm developed to predict the effect of missense changes on protein structure and function (PolyPhen-2) suggests that this variant is likely to be tolerated. In summary, the available evidence is currently insufficient to determine the role of this variant in disease. Therefore, it has been classified as a Variant of Uncertain Significance. This variant has not been reported in the literature in individuals affected with NADK2-related conditions. This sequence change replaces arginine, which is basic and polar, with glutamine, which is neutral and polar, at codon 36 of the NADK2 protein (p.Arg36Gln). This variant is not present in population databases (gnomAD no frequency).

NM_001085411.3(NADK2):c.107G>A (p.Arg36Gln)

Genes: NADK2 (NAD kinase 2, mitochondrial; minus strand), LOC129993801 (ATAC-STARR-seq lymphoblastoid silent region 15972; plus strand). Cytogenetic location: 5p13.2.
Variant type: single nucleotide variant.
Coding change: c.107G>A on transcript NM_001085411.3 (MANE Select); coding-DNA position 107, G replaced by A.
Protein change: p.Arg36Gln; replaces arginine 36 with glutamine.
Molecular consequence: missense variant. On other transcripts: intron variant (2).
Genome position (GRCh38, 1-based): chr5:36,241,692, C>T on the plus strand (G>A on the coding strand, the complement: NADK2 is on the minus strand). VCF-style: chr5-36241692-C-T. GRCh37 (hg19) VCF-style: chr5-36241794-C-T.
Other names: c.-190+404G>A (NM_153013.5, NM_001287341.2); short protein forms R36Q.
Identifiers: ClinVar variation 2762031 (VCV002762031.3), dbSNP rs2112225079, ClinGen allele CA359447996.
Genomic context (GRCh38, chr5:36,241,692, plus strand): 5'-GCCAGCTCGCGCGGCTGCCCCTGCCCCAGGTGCCGCCGGCCGCCACCGTCACCGCCCAGC[C>T]GGGGCCGCGCGGCGGGGCCTCCCGCACCCGGTCCCCGCAGCGCCGCCGCCCGGCCGCCCG-3'
Protein context (NP_001078880.1, residues 26-46): PGAGGPAARP[Arg36Gln]LGGDGGGRRH